The following is an entry in ClinVar:

ClinVar aggregate classification (germline): Uncertain significance. Review status: criteria provided, multiple submitters, no conflicts (2 of 4 stars). 2 submissions from 2 submitters: Uncertain significance (2). Last evaluated 2022-12-07.

Conditions:
Hereditary cancer-predisposing syndrome. Also called: Hereditary neoplastic syndrome; Neoplastic Syndromes, Hereditary; Tumor predisposition; Hereditary Cancer Syndrome. Identifiers: Orphanet 140162, MedGen C0027672, MeSH D009386, MONDO:0015356.

Submissions (2):

Ambry Genetics
Classification: Uncertain significance for Hereditary cancer-predisposing syndrome. Last evaluated: 2022-12-07. Review status: criteria provided, single submitter. Criteria: Ambry Variant Classification Scheme 2023. Collection method: clinical testing. Allele origin: germline.
Comment: The p.A145V variant (also known as c.434C>T), located in coding exon 3 of the CTNNA1 gene, results from a C to T substitution at nucleotide position 434. The alanine at codon 145 is replaced by valine, an amino acid with similar properties. This amino acid position is well conserved in available vertebrate species. In addition, this alteration is predicted to be tolerated by in silico analysis. The evidence for this gene-disease relationship is limited; therefore, the clinical significance of this alteration is unclear.

Labcorp Genetics (formerly Invitae), Labcorp
Classification: Uncertain significance. Last evaluated: 2020-04-16. Review status: criteria provided, single submitter. Criteria: Invitae Variant Classification Sherloc (09022015). Collection method: clinical testing. Allele origin: germline.
Comment: This sequence change replaces alanine with valine at codon 145 of the CTNNA1 protein (p.Ala145Val). The alanine residue is highly conserved and there is a small physicochemical difference between alanine and valine. This variant is not present in population databases (ExAC no frequency). This variant has not been reported in the literature in individuals with CTNNA1-related conditions. Algorithms developed to predict the effect of missense changes on protein structure and function are either unavailable or do not agree on the potential impact of this missense change (SIFT: "Deleterious"; PolyPhen-2: "Benign"; Align-GVGD: "Class C0"). Algorithms developed to predict the effect of sequence changes on RNA splicing suggest that this variant may create or strengthen a splice site, but this prediction has not been confirmed by published transcriptional studies. In summary, the available evidence is currently insufficient to determine the role of this variant in disease. Therefore, it has been classified as a Variant of Uncertain Significance.

NM_001903.5(CTNNA1):c.434C>T (p.Ala145Val)

Gene: CTNNA1 (catenin alpha 1; plus strand). Cytogenetic location: 5q31.2.
Variant type: single nucleotide variant.
Coding change: c.434C>T on transcript NM_001903.5 (MANE Select); coding-DNA position 434, C replaced by T.
Protein change: p.Ala145Val; replaces alanine 145 with valine.
Molecular consequence: missense variant.
Genome position (GRCh38, 1-based): chr5:138,810,170, C>T. VCF-style: chr5-138810170-C-T. GRCh37 (hg19) VCF-style: chr5-138145859-C-T.
Other names: c.434C>T (NM_001903.2); c.434C>T, p.Ala145Val (NM_001290307.3, NM_001323982.2, NM_001323983.1 and 3 more transcripts); c.125C>T, p.Ala42Val (NM_001290309.3); c.65C>T, p.Ala22Val (NM_001290310.3); short protein forms A42V, A145V, A22V.
Identifiers: ClinVar variation 948907 (VCV000948907.11), dbSNP rs1758530496, ClinGen allele CA361123493.